The following is an entry in ClinVar:

NM_003872.3(NRP2):c.1059G>A (p.Gln353=)

Gene: NRP2 (neuropilin 2; plus strand). Cytogenetic location: 2q33.3.
Variant type: single nucleotide variant.
Coding change: c.1059G>A on transcript NM_003872.3 (MANE Select); coding-DNA position 1059, G replaced by A.
Protein change: p.Gln353=; no amino-acid change (glutamine 353 retained).
Molecular consequence: synonymous variant.
Genome position (GRCh38, 1-based): chr2:205,727,959, G>A. VCF-style: chr2-205727959-G-A. GRCh37 (hg19) VCF-style: chr2-206592683-G-A.
Other names: c.1059G>A, p.Gln353= (NM_018534.4, NM_201264.2, NM_201266.2 and 2 more transcripts).
Identifiers: ClinVar variation 3355953 (VCV003355953.1).

ClinVar aggregate classification (germline): Likely benign (0 of 4 stars; one submission).

Conditions:
NRP2-related disorder. Also called: NRP2-related condition.

Submission:

PreventionGenetics, part of Exact Sciences
Classification: Likely benign for NRP2-related condition. Last evaluated: 2023-05-10. Review status: no assertion criteria provided. Collection method: clinical testing. Allele origin: germline.
Comment: This variant is classified as likely benign based on ACMG/AMP sequence variant interpretation guidelines (Richards et al. 2015 PMID: 25741868, with internal and published modifications).